The following is an entry in ClinVar:

NM_003664.5(AP3B1):c.2651C>T (p.Ala884Val)

Gene: AP3B1 (adaptor related protein complex 3 subunit beta 1; minus strand). Cytogenetic location: 5q14.1.
Variant type: single nucleotide variant.
Coding change: c.2651C>T on transcript NM_003664.5 (MANE Select); coding-DNA position 2651, C replaced by T.
Protein change: p.Ala884Val; replaces alanine 884 with valine.
Molecular consequence: missense variant.
Genome position (GRCh38, 1-based): chr5:78,039,201, G>A on the plus strand (C>T on the coding strand, the complement: AP3B1 is on the minus strand). VCF-style: chr5-78039201-G-A. GRCh37 (hg19) VCF-style: chr5-77335025-G-A.
Other names: c.2504C>T, p.Ala835Val (NM_001271769.2); c.2651C>T (NM_003664.3); short protein forms A884V, A835V.
Identifiers: ClinVar variation 1432446 (VCV001432446.7), dbSNP rs1225801616, ClinGen allele CA360332189.

ClinVar aggregate classification (germline): Uncertain significance. Review status: criteria provided, multiple submitters, no conflicts (2 of 4 stars). 3 submissions from 3 submitters: Uncertain significance (3). Last evaluated 2023-05-24.

Conditions:
Hermansky-Pudlak syndrome 2 (HPS2). Also called: Platelet defects and oculocutaneous albinism. Identifiers: Orphanet 183678, Orphanet 79430, MedGen C1842362, MONDO:0011997, OMIM 608233.
Inborn genetic diseases. Identifiers: MedGen C0950123, MeSH D030342.

Allele frequency attached by ClinVar (database versions not stated): TOPMed below 0.00001; gnomAD 0.00001; gnomAD exomes 0.00001 and 0.00002.
gnomAD v4.1: 33 of 1,613,944 alleles (0.002%); highest among the groups gnomAD compares: Non-Finnish European, 0.0024%; no homozygotes.

Submissions (3):

Ambry Genetics
Classification: Uncertain significance for Inborn genetic diseases. Last evaluated: 2023-05-24. Review status: criteria provided, single submitter. Criteria: Ambry Variant Classification Scheme 2023. Collection method: clinical testing. Allele origin: germline.

Labcorp Genetics (formerly Invitae), Labcorp
Classification: Uncertain significance for Hermansky-Pudlak syndrome 2. Last evaluated: 2021-10-02. Review status: criteria provided, single submitter. Criteria: Invitae Variant Classification Sherloc (09022015). Collection method: clinical testing. Allele origin: germline.
Comment: In summary, the available evidence is currently insufficient to determine the role of this variant in disease. Therefore, it has been classified as a Variant of Uncertain Significance. Algorithms developed to predict the effect of missense changes on protein structure and function are either unavailable or do not agree on the potential impact of this missense change (SIFT: "Tolerated"; PolyPhen-2: "Possibly Damaging"; Align-GVGD: "Class C0"). This variant has not been reported in the literature in individuals affected with AP3B1-related conditions. This variant is not present in population databases (ExAC no frequency). This sequence change replaces alanine with valine at codon 884 of the AP3B1 protein (p.Ala884Val). The alanine residue is moderately conserved and there is a small physicochemical difference between alanine and valine.

Breakthrough Genomics
Classification: Uncertain significance. Review status: criteria provided, single submitter. Criteria: ACMG Guidelines, 2015. Collection method: not provided. Allele origin: germline. Inheritance: Autosomal recessive inheritance. Affected: yes.